The following is an entry in ClinVar:

NM_144596.4(TTC8):c.710+1G>A

Gene: TTC8 (tetratricopeptide repeat domain 8; plus strand). Cytogenetic location: 14q31.3.
Variant type: single nucleotide variant.
Coding change: c.710+1G>A on transcript NM_144596.4 (MANE Select); the canonical splice donor site of the intron after coding-DNA position 710, G replaced by A.
Molecular consequence: splice donor variant.
Genome position (GRCh38, 1-based): chr14:88,853,057, G>A. VCF-style: chr14-88853057-G-A. GRCh37 (hg19) VCF-style: chr14-89319401-G-A.
Other names: c.116+1G>A (NM_001288782.1); c.758+1G>A (NM_001288781.1); c.680+1G>A (NM_198309.3, NM_001366535.2); c.-8+1G>A (NM_001288783.1); c.590+1G>A (NM_198310.3, NM_001366536.2).
Identifiers: ClinVar variation 1066427 (VCV001066427.10), dbSNP rs2140999630, ClinGen allele CA390545060.
Genomic context (GRCh38, chr14:88,853,057, plus strand): 5'-AGAACATTCTCAGTACAAGGACTGGTGGTGGAAAGTACAGATTGGAAAATGTTACTACAG[G>A]TAAATTTCATTATTTGTGAAGGGCTTAGAAGTGGCCACGTATTTTAGGGTCTCAAATCTG-3'

ClinVar aggregate classification (germline): Pathogenic/Likely pathogenic. Review status: criteria provided, multiple submitters, no conflicts (2 of 4 stars). 2 submissions from 2 submitters: Pathogenic (1); Likely pathogenic (1). Last evaluated 2026-09-17.

Conditions:
Bardet-Biedl syndrome (BBS). Identifiers: Orphanet 110, MedGen C0752166, MONDO:0015229.
Fetal anomalies with a likely genetic cause.

Submissions (2):

Genetics Laboratory, Great Ormond Street Hospital NHS Foundation Trust, North Thames Genomic Laboratory Hub
Classification: Pathogenic for Fetal anomalies with a likely genetic cause. Last evaluated: 2026-09-17. Review status: criteria provided, single submitter. Criteria: ACGS Best Practice Guidelines for Variant Classification in Rare Disease 2024 v1.2. Collection method: clinical testing. Allele origin: germline. Affected: yes.
Comment: PM2_moderate, PVS1_very-strong

Labcorp Genetics (formerly Invitae), Labcorp
Classification: Likely pathogenic for Bardet-Biedl syndrome. Last evaluated: 2022-03-10. Review status: criteria provided, single submitter. Criteria: Invitae Variant Classification Sherloc (09022015). Collection method: clinical testing. Allele origin: germline.
Comment: This sequence change affects a donor splice site in intron 8 of the TTC8 gene. It is expected to disrupt RNA splicing. Variants that disrupt the donor or acceptor splice site typically lead to a loss of protein function (PMID: 16199547), and loss-of-function variants in TTC8 are known to be pathogenic (PMID: 16308660, 16877420, 19797195, 21052717, 30886724). This variant is not present in population databases (gnomAD no frequency). This variant has not been reported in the literature in individuals affected with TTC8-related conditions. ClinVar contains an entry for this variant (Variation ID: 1066427). Algorithms developed to predict the effect of sequence changes on RNA splicing suggest that this variant may disrupt the consensus splice site. In summary, the currently available evidence indicates that the variant is pathogenic, but additional data are needed to prove that conclusively. Therefore, this variant has been classified as Likely Pathogenic.

Literature cited by the submitters: PubMed 16199547 (cited by Labcorp Genetics (formerly Invitae), Labcorp); PubMed 16308660 (cited by Labcorp Genetics (formerly Invitae), Labcorp); PubMed 16877420 (cited by Labcorp Genetics (formerly Invitae), Labcorp); PubMed 19797195 (cited by Labcorp Genetics (formerly Invitae), Labcorp); PubMed 21052717 (cited by Labcorp Genetics (formerly Invitae), Labcorp); PubMed 30886724 (cited by Labcorp Genetics (formerly Invitae), Labcorp).